The following is an entry in ClinVar:

ClinVar aggregate classification (germline): Uncertain significance (1 of 4 stars; one submission).

gnomAD v4.1: 1 of 1,609,648 alleles (0.000062%); highest among the groups gnomAD compares: Non-Finnish European, 0.000085%; no homozygotes.

Submission:

GeneDx
Classification: Uncertain significance. Last evaluated: 2025-06-02. Review status: criteria provided, single submitter. Criteria: GeneDx Variant Classification Process June 2021. Collection method: clinical testing. Allele origin: germline. Affected: yes.
Comment: Not observed at significant frequency in large population cohorts (gnomAD); In silico analysis suggests that this missense variant does not alter protein structure/function; Has not been previously published as pathogenic or benign to our knowledge.

NM_005573.4(LMNB1):c.1732G>A (p.Ala578Thr)

Gene: LMNB1 (lamin B1; plus strand). Cytogenetic location: 5q23.2.
Variant type: single nucleotide variant.
Coding change: c.1732G>A on transcript NM_005573.4 (MANE Select); coding-DNA position 1732, G replaced by A.
Protein change: p.Ala578Thr; replaces alanine 578 with threonine.
Molecular consequence: missense variant. On other transcripts: non-coding transcript variant (2).
Genome position (GRCh38, 1-based): chr5:126,836,235, G>A. VCF-style: chr5-126836235-G-A. GRCh37 (hg19) VCF-style: chr5-126171927-G-A.
Other names: c.1102G>A, p.Ala368Thr (NM_001198557.2); short protein forms A368T, A578T.
Identifiers: ClinVar variation 4536511 (VCV004536511.1).